The following is an entry in ClinVar:

ClinVar aggregate classification (germline): Uncertain significance (1 of 4 stars; one submission).

Submission:

GeneDx
Classification: Uncertain significance. Last evaluated: 2026-03-02. Review status: criteria provided, single submitter. Criteria: GeneDx Variant Classification Process June 2021. Collection method: clinical testing. Allele origin: germline.
Comment: Not observed at significant frequency in large population cohorts (gnomAD); In silico analysis supports that this missense variant has a deleterious effect on protein structure/function; Has not been previously published as pathogenic or benign to our knowledge

NM_001829.4(CLCN3):c.470A>G (p.Lys157Arg)

Gene: CLCN3 (Cl-/H+ antiporter 3; plus strand). Cytogenetic location: 4q33.
Variant type: single nucleotide variant.
Coding change: c.470A>G on transcript NM_001829.4 (MANE Select); coding-DNA position 470, A replaced by G.
Protein change: p.Lys157Arg; replaces lysine 157 with arginine.
Molecular consequence: missense variant.
Genome position (GRCh38, 1-based): chr4:169,689,094, A>G. VCF-style: chr4-169689094-A-G. GRCh37 (hg19) VCF-style: chr4-170610245-A-G.
Other names: c.470A>G, p.Lys157Arg (NM_001243372.2, NM_173872.4); c.389A>G, p.Lys130Arg (NM_001243374.2); short protein forms K157R, K130R.
Identifiers: ClinVar variation 5008135 (VCV005008135.1).
Genomic context (GRCh38, chr4:169,689,094, plus strand): 5'-TTTTTATAGGGGCACTGGCCGGATTAATAGACATTGCTGCCGATTGGATGACTGACCTAA[A>G]GGAGGGCATTTGCCTTAGTGCGTTGTGGTACAACCACGAACAGTGCTGTTGGGGATCTAA-3'
Protein context (NP_001820.2, residues 147-167): DIAADWMTDL[Lys157Arg]EGICLSALWY